The following is an entry in ClinVar:

NM_001134382.3(IQSEC1):c.1527C>T (p.Ile509=)

Gene: IQSEC1 (IQ motif and Sec7 domain ArfGEF 1; minus strand). Cytogenetic location: 3p25.2.
Variant type: single nucleotide variant.
Coding change: c.1527C>T on transcript NM_001134382.3 (MANE Select); coding-DNA position 1527, C replaced by T.
Protein change: p.Ile509=; no amino-acid change (isoleucine 509 retained).
Molecular consequence: synonymous variant.
Genome position (GRCh38, 1-based): chr3:12,935,489, G>A on the plus strand (C>T on the coding strand, the complement: IQSEC1 is on the minus strand). VCF-style: chr3-12935489-G-A. GRCh37 (hg19) VCF-style: chr3-12976989-G-A.
Other names: c.1203C>T, p.Ile401= (NM_001330619.3); c.1851C>T, p.Ile617= (NM_001376938.2); c.1569C>T, p.Ile523= (NM_014869.8).
Identifiers: ClinVar variation 742524 (VCV000742524.8), dbSNP rs151292454, ClinGen allele CA2262252.
Genomic context (GRCh38, chr3:12,935,489, plus strand): 5'-GGTCACCCATGGTACTCACTTGTTGAAGAGGTTCAGGCCGATGCGGTAGTGCCTCTTGCG[G>A]ATGACATCGTTGCTAAAGGCAGGCGAGTCCCAGCTGTTGCGGGCCTCCTTGTGGTAGGTC-3'
Protein context (NP_001127854.1, residues 499-519): WDSPAFSNDV[Ile509=]RKRHYRIGLN

ClinVar aggregate classification (germline): Benign/Likely benign. Review status: criteria provided, multiple submitters, no conflicts (2 of 4 stars). 3 submissions from 3 submitters: Benign (1); Likely benign (2). Last evaluated 2026-01-01.

Allele frequency attached by ClinVar (database versions not stated): gnomAD exomes 0.00008 and 0.00026; ExAC 0.00029; 1000 Genomes Project 30x 0.00062; 1000 Genomes Project 0.00080; gnomAD 0.00090 and 0.00099; ESP Exome Variant Server 0.00108; TOPMed 0.00112.
gnomAD v4.1: 268 of 1,613,800 alleles (0.017%); highest among the groups gnomAD compares: African/African-American, 0.31%; no homozygotes.

Submissions (3):

CeGaT Center for Human Genetics Tuebingen
Classification: Likely benign. Last evaluated: 2026-01-01. Review status: criteria provided, single submitter. Criteria: CeGaT Center For Human Genetics Tuebingen Variant Classification Criteria Version 2. Collection method: clinical testing. Allele origin: germline. Affected: yes. Observed: 1 variant allele.
Comment: IQSEC1: BP4, BP7

Women's Health and Genetics/Laboratory Corporation of America, LabCorp
Classification: Likely benign. Last evaluated: 2025-09-05. Review status: criteria provided, single submitter. Criteria: LabCorp Variant Classification Summary - May 2015. Collection method: clinical testing. Allele origin: germline.

Labcorp Genetics (formerly Invitae), Labcorp
Classification: Benign. Last evaluated: 2018-04-10. Review status: criteria provided, single submitter. Criteria: Invitae Variant Classification Sherloc (09022015). Collection method: clinical testing. Allele origin: germline.